The following continues an entry in ClinVar:

NM_014239.4(EIF2B2):c.638A>G (p.Glu213Gly)

Gene: EIF2B2. ClinVar aggregate classification (germline): Pathogenic. Pathogenic (11).

Submissions 11 to 15 of 15:

Center for Genomics, Ann and Robert H. Lurie Children's Hospital of Chicago
Classification: Pathogenic for Leukoencephalopathy with vanishing white matter 1. Review status: criteria provided, single submitter. Criteria: ACMG Guidelines, 2015. Collection method: clinical testing. Allele origin: germline.
Comment: EIF2B2 NM_014239.3 exon 5 p.Glu213Gly (c.638A>G): This variant has been reported in the literature in multiple individuals with features of leukodystrophy/vanishing white matter (at least 10 individuals in the homozygous state, 6 individuals in the compound heterozygous state), segregating with disease in at least 3 affected family members (Leegwater 2001 PMID:11704758, Fogli 2004 PMID:15136673, Ohlenbusch 2005 PMID:15776425). This variant is present in 10/129186 European alleles in the Genome Aggregation Database. Please note, disease causing variants may be present in control databases at low frequencies, reflective of the general population, carrier status and/or variable expressivity. This variant is present in ClinVar (Variation ID:4336). Evolutionary conservation and computational predictive tools suggest that this variant may impact the protein. In addition, functional studies support that this variant will impact the protein (Li 2004 PMID:15060152, Liu 2011 PMID:21560189). In summary, this variant is classified as pathogenic.

PreventionGenetics, part of Exact Sciences
Classification: Pathogenic for EIF2B2-related condition. Last evaluated: 2024-01-10. Review status: no assertion criteria provided. Collection method: clinical testing. Allele origin: germline. Not counted in ClinVar's aggregate classification.
Comment: The EIF2B2 c.638A>G variant is predicted to result in the amino acid substitution p.Glu213Gly. This variant was reported in the homozygous or compound heterozygous states in individuals with leukoencephalopathy with vanishing white matter (see, for example, Leegwater et al. 2001. PubMed ID: 11704758; Liu et al. 2011. PubMed ID: 21560189; Sambati et al. 2012. PubMed ID: 22729508; Fogli et al. 2004. PubMed ID: 15054402). This variant is reported in 0.0077% of alleles in individuals of European (Non-Finnish) descent in gnomAD. This variant is interpreted as pathogenic.

Solve-RD Consortium
Classification: Likely pathogenic for Leukoencephalopathy with vanishing white matter 1. Last evaluated: 2022-06-01. Review status: no assertion criteria provided. Collection method: provider interpretation. Allele origin: inherited. Affected: yes. Not counted in ClinVar's aggregate classification.
Comment: Variant confirmed as disease-causing by referring clinical team

Variant identified during reanalysis of unsolved cases by the Solve-RD project. The Solve-RD project has received funding from the European Union’s Horizon 2020 research and innovation programme under grant agreement No 779257.

OMIM
Classification: Pathogenic for LEUKOENCEPHALOPATHY WITH VANISHING WHITE MATTER 2. Last evaluated: 2003-06-01. Review status: no assertion criteria provided. Collection method: literature only. Allele origin: germline. Not counted in ClinVar's aggregate classification.

GeneReviews
No classification provided. Condition: Vanishing white matter disease. Review status: no classification provided. Collection method: literature only. Allele origin: germline. Not counted in ClinVar's aggregate classification.
Comment: Dutch founder variant, associated w/relatively mild disease

Literature cited by the submitters: PubMed 11704758 (cited by 8 submitters); PubMed 12707859 (cited by 3 submitters); PubMed 15136673 (cited by 5 submitters); PubMed 21560189 (cited by 4 submitters); PubMed 15060152 (cited by 5 submitters); PubMed 16823698 (cited by Variantyx, Inc. and Mayo Clinic Laboratories, Mayo Clinic); PubMed 15054402 (cited by Mayo Clinic Laboratories, Mayo Clinic and Women's Health and Genetics/Laboratory Corporation of America, LabCorp); PubMed 15776425 (cited by Mayo Clinic Laboratories, Mayo Clinic and Illumina Laboratory Services, Illumina); PubMed 19625339 (cited by Mayo Clinic Laboratories, Mayo Clinic); PubMed 22729508 (cited by Mayo Clinic Laboratories, Mayo Clinic and AiLife Diagnostics); PubMed 31438897 (cited by Mayo Clinic Laboratories, Mayo Clinic and Victorian Clinical Genetics Services, Murdoch Childrens Research Institute); PubMed 35586607 (cited by Mayo Clinic Laboratories, Mayo Clinic); PubMed 37152446 (cited by Mayo Clinic Laboratories, Mayo Clinic); PubMed 39825153 (cited by Mayo Clinic Laboratories, Mayo Clinic and Solve-RD Consortium); PubMed 20301435 (cited by GeneReviews).